The following is an entry in ClinVar:

ClinVar aggregate classification (germline): Benign/Likely benign. Review status: criteria provided, multiple submitters, no conflicts (2 of 4 stars). 4 submissions from 4 submitters: Benign (1); Likely benign (1). 2 of the submissions do not count toward it. Last evaluated 2023-10-01.

Allele frequency attached by ClinVar (database versions not stated): ExAC 0.00010; gnomAD exomes 0.00265.

Submissions (4):

CeGaT Center for Human Genetics Tuebingen
Classification: Benign. Last evaluated: 2023-10-01. Review status: criteria provided, single submitter. Criteria: CeGaT Center For Human Genetics Tuebingen Variant Classification Criteria Version 2. Collection method: clinical testing. Allele origin: germline. Affected: yes. Observed: 2 variant alleles.
Comment: C4A: BP4, BS1, BS2

Breakthrough Genomics
Classification: Likely benign. Review status: criteria provided, single submitter. Criteria: ACMG Guidelines, 2015. Collection method: not provided. Allele origin: germline. Inheritance: Autosomal recessive inheritance. Affected: yes.

Clinical Genetics DNA and cytogenetics Diagnostics Lab, Erasmus MC, Erasmus Medical Center
Classification: Likely benign. Review status: no assertion criteria provided. Collection method: clinical testing. Allele origin: germline. Affected: yes. Study: VKGL Data-share Consensus. Not counted in ClinVar's aggregate classification.

Joint Genome Diagnostic Labs from Nijmegen and Maastricht, Radboudumc and MUMC+
Classification: Likely benign. Review status: no assertion criteria provided. Collection method: clinical testing. Allele origin: germline. Affected: yes. Study: VKGL Data-share Consensus. Not counted in ClinVar's aggregate classification.

NM_007293.3(C4A):c.3218A>G (p.Asp1073Gly)

Gene: C4A (complement C4A (Chido/Rodgers blood group); plus strand). Cytogenetic location: 6p21.33.
Variant type: single nucleotide variant.
Coding change: c.3218A>G on transcript NM_007293.3 (MANE Select); coding-DNA position 3218, A replaced by G.
Protein change: p.Asp1073Gly; replaces aspartic acid 1073 with glycine.
Molecular consequence: missense variant.
Genome position (GRCh38, 1-based): chr6:31,995,782, A>G. VCF-style: chr6-31995782-A-G. GRCh37 (hg19) VCF-style: chr6-31963559-A-G.
Other names: c.3218A>G, p.Asp1073Gly (NM_001252204.2); short protein forms D1073G.
Identifiers: ClinVar variation 1297710 (VCV001297710.28), dbSNP rs147162052, ClinGen allele CA3730971.